The following is an entry in ClinVar:

NM_024580.6(EFL1):c.791T>C (p.Met264Thr)

Gene: EFL1 (elongation factor like GTPase 1; minus strand). Cytogenetic location: 15q25.2.
Variant type: single nucleotide variant.
Coding change: c.791T>C on transcript NM_024580.6 (MANE Select); coding-DNA position 791, T replaced by C.
Protein change: p.Met264Thr; replaces methionine 264 with threonine.
Molecular consequence: missense variant. On other transcripts: initiator codon variant (1), non-coding transcript variant (1).
Genome position (GRCh38, 1-based): chr15:82,230,912, A>G on the plus strand (T>C on the coding strand, the complement: EFL1 is on the minus strand). VCF-style: chr15-82230912-A-G. GRCh37 (hg19) VCF-style: chr15-82523253-A-G.
Other names: c.638T>C, p.Met213Thr (NM_001040610.3); c.2T>C, p.Met1Thr (NM_001322844.2); c.791T>C, p.Met264Thr (NM_001322845.2); short protein forms M213T, M1T, M264T.
Identifiers: ClinVar variation 1407942 (VCV001407942.8), dbSNP rs1333524078, ClinGen allele CA393278817.

ClinVar aggregate classification (germline): Uncertain significance (1 of 4 stars; one submission).

gnomAD v4.1: 4 of 1,613,436 alleles (0.00025%); highest among the groups gnomAD compares: East Asian, 0.0022%; no homozygotes.

Submission:

Labcorp Genetics (formerly Invitae), Labcorp
Classification: Uncertain significance. Last evaluated: 2025-04-07. Review status: criteria provided, single submitter. Criteria: Invitae Variant Classification Sherloc (09022015). Collection method: clinical testing. Allele origin: germline.
Comment: This sequence change replaces methionine, which is neutral and non-polar, with threonine, which is neutral and polar, at codon 264 of the EFL1 protein (p.Met264Thr). This variant is not present in population databases (gnomAD no frequency). This variant has not been reported in the literature in individuals affected with EFL1-related conditions. ClinVar contains an entry for this variant (Variation ID: 1407942). Invitae Evidence Modeling of protein sequence and biophysical properties (such as structural, functional, and spatial information, amino acid conservation, physicochemical variation, residue mobility, and thermodynamic stability) indicates that this missense variant is not expected to disrupt EFL1 protein function with a negative predictive value of 80%. In summary, the available evidence is currently insufficient to determine the role of this variant in disease. Therefore, it has been classified as a Variant of Uncertain Significance.